The following is an entry in ClinVar:

ClinVar aggregate classification (germline): Uncertain significance (1 of 4 stars; one submission).

Conditions:
Cardiovascular phenotype. Identifiers: MedGen CN230736.

Submission:

Molecular Diagnostic Laboratory for Inherited Cardiovascular Disease, Montreal Heart Institute
Classification: Uncertain significance for Cardiovascular phenotype. Last evaluated: 2025-07-24. Review status: criteria provided, single submitter. Criteria: ACMG Guidelines, 2015. Collection method: clinical testing. Allele origin: germline. Affected: yes.
Comment: PM2, PM4

NM_000256.3(MYBPC3):c.3710_3718del (p.Thr1237_Glu1239del)

Gene: MYBPC3 (myosin binding protein C3; minus strand). Cytogenetic location: 11p11.2.
Variant type: Deletion.
Coding change: c.3710_3718del on transcript NM_000256.3 (MANE Select); coding-DNA positions 3710 to 3718, 9 bases deleted (CTCTGGAGA; older notation c.3710_3718delCTCTGGAGA).
Protein change: p.Thr1237_Glu1239del.
Genome position (GRCh38, 1-based): chr11:47,332,168-47,332,176, TCTCCAGAG deleted on the plus strand (CTCTGGAGA on the coding strand, the reverse complement: MYBPC3 is on the minus strand); deleting any 9 consecutive bases within chr11:47,332,168-47,332,178 gives the same sequence; the c. name uses the placement nearest the transcript's 3' end. VCF-style (leftmost placement, unchanged base first): chr11-47332167-ATCTCCAGAG-A. GRCh37 (hg19) VCF-style: chr11-47353718-ATCTCCAGAG-A.
Identifiers: ClinVar variation 4076498 (VCV004076498.1).